The following is an entry in ClinVar:

ClinVar aggregate classification (germline): Uncertain significance (1 of 4 stars; one submission).

Allele frequency attached by ClinVar (database versions not stated): TOPMed below 0.00001.
gnomAD v4.1: 6 of 1,613,928 alleles (0.00037%); highest among the groups gnomAD compares: Non-Finnish European, 0.00051%; no homozygotes.

Submission:

Labcorp Genetics (formerly Invitae), Labcorp
Classification: Uncertain significance. Last evaluated: 2022-06-13. Review status: criteria provided, single submitter. Criteria: Invitae Variant Classification Sherloc (09022015). Collection method: clinical testing. Allele origin: germline.
Comment: This variant is not present in population databases (gnomAD no frequency). In summary, the available evidence is currently insufficient to determine the role of this variant in disease. Therefore, it has been classified as a Variant of Uncertain Significance. Algorithms developed to predict the effect of missense changes on protein structure and function are either unavailable or do not agree on the potential impact of this missense change (SIFT: "Tolerated"; PolyPhen-2: "Probably Damaging"; Align-GVGD: "Class C0"). This variant has not been reported in the literature in individuals affected with CHD8-related conditions. This sequence change replaces aspartic acid, which is acidic and polar, with asparagine, which is neutral and polar, at codon 1563 of the CHD8 protein (p.Asp1563Asn).

NM_001170629.2(CHD8):c.4687G>A (p.Asp1563Asn)

Gene: CHD8 (chromodomain helicase DNA binding protein 8; minus strand). Cytogenetic location: 14q11.2.
Variant type: single nucleotide variant.
Coding change: c.4687G>A on transcript NM_001170629.2 (MANE Select); coding-DNA position 4687, G replaced by A.
Protein change: p.Asp1563Asn; replaces aspartic acid 1563 with asparagine.
Molecular consequence: missense variant.
Genome position (GRCh38, 1-based): chr14:21,400,191, C>T on the plus strand (G>A on the coding strand, the complement: CHD8 is on the minus strand). VCF-style: chr14-21400191-C-T. GRCh37 (hg19) VCF-style: chr14-21868350-C-T.
Other names: c.3850G>A, p.Asp1284Asn (NM_020920.4); short protein forms D1563N, D1284N.
Identifiers: ClinVar variation 1970783 (VCV001970783.5), dbSNP rs1315436517, ClinGen allele CA388890942.